The following is an entry in ClinVar:

ClinVar aggregate classification (germline): Uncertain significance (1 of 4 stars; one submission).

Conditions:
Early-infantile DEE. Also called: Early infantile epileptic encephalopathy with suppression bursts; Early infantile epileptic encephalopathy; Ohtahara syndrome. Identifiers: Orphanet 1934, MedGen C0393706, MONDO:0800491.

Submission:

Labcorp Genetics (formerly Invitae), Labcorp
Classification: Uncertain significance for Early-infantile DEE. Last evaluated: 2021-11-15. Review status: criteria provided, single submitter. Criteria: Invitae Variant Classification Sherloc (09022015). Collection method: clinical testing. Allele origin: germline.
Comment: In summary, the available evidence is currently insufficient to determine the role of this variant in disease. Therefore, it has been classified as a Variant of Uncertain Significance. This sequence change falls in intron 4 of the GNAO1 gene. It does not directly change the encoded amino acid sequence of the GNAO1 protein. It affects a nucleotide within the consensus splice site. This variant is not present in population databases (gnomAD no frequency). This variant has not been reported in the literature in individuals affected with GNAO1-related conditions. Variants that disrupt the consensus splice site are a relatively common cause of aberrant splicing (PMID: 17576681, 9536098). Algorithms developed to predict the effect of sequence changes on RNA splicing suggest that this variant may disrupt the consensus splice site.

Literature cited by the submitters: PubMed 17576681; PubMed 9536098.

NM_020988.3(GNAO1):c.464+5G>A

Gene: GNAO1 (G protein subunit alpha o1; plus strand). Cytogenetic location: 16q13.
Variant type: single nucleotide variant.
Coding change: c.464+5G>A on transcript NM_020988.3 (MANE Select); 5 bases into the intron after coding-DNA position 464, G replaced by A.
Molecular consequence: intron variant.
Genome position (GRCh38, 1-based): chr16:56,328,796, G>A. VCF-style: chr16-56328796-G-A. GRCh37 (hg19) VCF-style: chr16-56362708-G-A.
Other names: c.464+5G>A (NM_138736.3).
Identifiers: ClinVar variation 1393575 (VCV001393575.7), dbSNP rs2143647379, ClinGen allele CA2573152420.